The following is an entry in ClinVar:

NM_012472.6(DNAAF11):c.145C>G (p.Leu49Val)

Gene: DNAAF11 (dynein axonemal assembly factor 11; minus strand). Cytogenetic location: 8q24.22.
Variant type: single nucleotide variant.
Coding change: c.145C>G on transcript NM_012472.6 (MANE Select); coding-DNA position 145, C replaced by G.
Protein change: p.Leu49Val; replaces leucine 49 with valine.
Molecular consequence: missense variant. On other transcripts: 5 prime UTR variant (4), non-coding transcript variant (7), intron variant (1).
Genome position (GRCh38, 1-based): chr8:132,661,493, G>C on the plus strand (C>G on the coding strand, the complement: DNAAF11 is on the minus strand). VCF-style: chr8-132661493-G-C. GRCh37 (hg19) VCF-style: chr8-133673739-G-C.
Other names: c.145C>G (NM_012472.3); c.145C>G, p.Leu49Val (NM_001321961.2); c.-216C>G (NM_001321963.2, NM_001321964.2, NM_001321966.2); c.-529C>G (NM_001321965.2); c.10+13991C>G (NM_001321962.2); short protein forms L49V.
Identifiers: ClinVar variation 1027083 (VCV001027083.8), dbSNP rs775099366, ClinGen allele CA186278226.
Genomic context (GRCh38, chr8:132,661,493, plus strand): 5'-CCATGAGAACTAAGTACTGAAACTTACCAATTTTCCCAATAAGATTATTTTGAAGATAGA[G>C]AATTTTTAAATCCCGGCACCATTTATCAATGTGTTCTAGTCTTTCTATTTCTTGCTGATG-3'
Protein context (NP_036604.2, residues 39-59): IDKWCRDLKI[Leu49Val]YLQNNLIGKI

ClinVar aggregate classification (germline): Uncertain significance. Review status: criteria provided, multiple submitters, no conflicts (2 of 4 stars). 2 submissions from 2 submitters: Uncertain significance (2). Last evaluated 2024-02-10.

Conditions:
Primary ciliary dyskinesia 19. Also called: CILIARY DYSKINESIA, PRIMARY, 19, WITH OR WITHOUT SITUS INVERSUS. Identifiers: Orphanet 244, MedGen C3543826, MONDO:0013979, OMIM 614935.
Primary ciliary dyskinesia. Also called: Ciliary dyskinesia. Identifiers: Orphanet 244, MedGen C0008780, MONDO:0016575, HP:0012265.

Allele frequency attached by ClinVar (database versions not stated): gnomAD 0.00001; gnomAD exomes 0.00001; TOPMed 0.00001.
gnomAD v4.1: 4 of 1,613,064 alleles (0.00025%); highest among the groups gnomAD compares: Non-Finnish European, 0.00034%; no homozygotes.

Submissions (2):

Ambry Genetics
Classification: Uncertain significance for Primary ciliary dyskinesia. Last evaluated: 2024-02-10. Review status: criteria provided, single submitter. Criteria: Ambry Variant Classification Scheme 2023. Collection method: clinical testing. Allele origin: germline.
Comment: The p.L49V variant (also known as c.145C>G), located in coding exon 2 of the LRRC6 gene, results from a C to G substitution at nucleotide position 145. The leucine at codon 49 is replaced by valine, an amino acid with highly similar properties. This amino acid position is conserved. In addition, this alteration is predicted to be deleterious by in silico analysis. Based on the available evidence, the clinical significance of this alteration remains unclear.

Labcorp Genetics (formerly Invitae), Labcorp
Classification: Uncertain significance for Primary ciliary dyskinesia 19. Last evaluated: 2022-03-25. Review status: criteria provided, single submitter. Criteria: Invitae Variant Classification Sherloc (09022015). Collection method: clinical testing. Allele origin: germline.
Comment: In summary, the available evidence is currently insufficient to determine the role of this variant in disease. Therefore, it has been classified as a Variant of Uncertain Significance. Algorithms developed to predict the effect of missense changes on protein structure and function are either unavailable or do not agree on the potential impact of this missense change (SIFT: "Deleterious"; PolyPhen-2: "Probably Damaging"; Align-GVGD: "Class C0"). ClinVar contains an entry for this variant (Variation ID: 1027083). This variant has not been reported in the literature in individuals affected with LRRC6-related conditions. This variant is not present in population databases (gnomAD no frequency). This sequence change replaces leucine, which is neutral and non-polar, with valine, which is neutral and non-polar, at codon 49 of the LRRC6 protein (p.Leu49Val).